The following is an entry in ClinVar:

NM_006846.4(SPINK5):c.1245A>G (p.Lys415=)

Gene: SPINK5 (serine peptidase inhibitor Kazal type 5; plus strand). Cytogenetic location: 5q32.
Variant type: single nucleotide variant.
Coding change: c.1245A>G on transcript NM_006846.4 (MANE Select); coding-DNA position 1245, A replaced by G.
Protein change: p.Lys415=; no amino-acid change (lysine 415 retained).
Molecular consequence: synonymous variant.
Genome position (GRCh38, 1-based): chr5:148,101,379, A>G. VCF-style: chr5-148101379-A-G. GRCh37 (hg19) VCF-style: chr5-147480942-A-G.
Other names: c.1245A>G, p.Lys415= (NM_001127698.2, NM_001127699.2); c.1245A>G (NM_006846.3).
Identifiers: ClinVar variation 1541178 (VCV001541178.33), dbSNP rs764133865, ClinGen allele CA3495525.

ClinVar aggregate classification (germline): Likely benign. Review status: criteria provided, multiple submitters, no conflicts (2 of 4 stars). 4 submissions from 4 submitters: Likely benign (3). 1 of the submissions does not count toward it. Last evaluated 2023-12-19.

Conditions:
Ichthyosis linearis circumflexa. Identifiers: MedGen C0265962, MONDO:0043106, HP:0025810.
SPINK5-related disorder. Also called: SPINK5-related condition.

Allele frequency attached by ClinVar (database versions not stated): gnomAD 0.00001; gnomAD exomes 0.00002 and 0.00005; TOPMed 0.00002; ExAC 0.00008.
gnomAD v4.1: 29 of 1,611,874 alleles (0.0018%); highest among the groups gnomAD compares: Middle Eastern, 0.066%; no homozygotes.

Submissions (4):

Blueprint Genetics
Classification: Likely benign. Last evaluated: 2023-12-19. Review status: criteria provided, single submitter. Criteria: ACMG Guidelines, 2015. Collection method: clinical testing. Allele origin: germline.

Labcorp Genetics (formerly Invitae), Labcorp
Classification: Likely benign for Ichthyosis linearis circumflexa. Last evaluated: 2023-11-25. Review status: criteria provided, single submitter. Criteria: Invitae Variant Classification Sherloc (09022015). Collection method: clinical testing. Allele origin: germline.

CeGaT Center for Human Genetics Tuebingen
Classification: Likely benign. Last evaluated: 2022-12-01. Review status: criteria provided, single submitter. Criteria: CeGaT Center For Human Genetics Tuebingen Variant Classification Criteria Version 2. Collection method: clinical testing. Allele origin: germline. Affected: yes. Observed: 1 variant allele.
Comment: SPINK5: BP4, BP7

PreventionGenetics, part of Exact Sciences
Classification: Likely benign for SPINK5-related condition. Last evaluated: 2023-12-05. Review status: no assertion criteria provided. Collection method: clinical testing. Allele origin: germline. Not counted in ClinVar's aggregate classification.
Comment: This variant is classified as likely benign based on ACMG/AMP sequence variant interpretation guidelines (Richards et al. 2015 PMID: 25741868, with internal and published modifications).